The following is an entry in ClinVar:

ClinVar aggregate classification (germline): Likely benign (0 of 4 stars; one submission).

Conditions:
ODAD3-related disorder. Also called: ODAD3-related condition.

Allele frequency attached by ClinVar (database versions not stated): gnomAD 0.00055; gnomAD exomes 0.00106; ExAC 0.00045; TOPMed 0.00056.
gnomAD v4.1: 1,420 of 1,401,298 alleles (0.1%); highest among the groups gnomAD compares: Non-Finnish European, 0.12%; 1 homozygote.

Submission:

PreventionGenetics, part of Exact Sciences
Classification: Likely benign for ODAD3-related condition. Last evaluated: 2023-12-29. Review status: no assertion criteria provided. Collection method: clinical testing. Allele origin: germline.
Comment: This variant is classified as likely benign based on ACMG/AMP sequence variant interpretation guidelines (Richards et al. 2015 PMID: 25741868, with internal and published modifications).

NC_000019.10:g.11435780G>A

Genes: ODAD3 (outer dynein arm docking complex subunit 3; minus strand), PRKCSH (PRKCSH beta subunit of glucosidase II; plus strand). Cytogenetic location: 19p13.2.
Variant type: single nucleotide variant.
Molecular consequence: intron variant (on NM_001289104.2). On other transcripts: 5 prime UTR variant (1).
Genome position: GRCh38 VCF-style: chr19-11435780-G-A. GRCh37 (hg19) VCF-style: chr19-11546601-G-A.
Other names: c.-9C>T (NM_001302453.1); c.-78+70G>A (NM_001289103.2, NM_001379609.1, NM_001379608.1); c.-78+74G>A (NM_001289104.2, NM_001001329.3, NM_002743.3).
Identifiers: ClinVar variation 3040071 (VCV003040071.2), dbSNP rs751415567, ClinGen allele CA9212612.